The following is an entry in ClinVar:

NM_006648.4(WNK2):c.6175C>G (p.Arg2059Gly)

Gene: WNK2 (WNK lysine deficient protein kinase 2; plus strand). Cytogenetic location: 9q22.31.
Variant type: single nucleotide variant.
Coding change: c.6175C>G on transcript NM_006648.4 (MANE Select); coding-DNA position 6175, C replaced by G.
Protein change: p.Arg2059Gly; replaces arginine 2059 with glycine.
Molecular consequence: missense variant.
Genome position (GRCh38, 1-based): chr9:93,300,110, C>G. VCF-style: chr9-93300110-C-G. GRCh37 (hg19) VCF-style: chr9-96062392-C-G.
Other names: c.6286C>G, p.Arg2096Gly (NM_001282394.3); short protein forms R2059G, R2096G.
Identifiers: ClinVar variation 3982167 (VCV003982167.1).

ClinVar aggregate classification (germline): Uncertain significance (1 of 4 stars; one submission).

gnomAD v4.1: 5 of 1,613,444 alleles (0.00031%); highest among the groups gnomAD compares: African/African-American, 0.004%; no homozygotes.

Submission:

Ambry Genetics
Classification: Uncertain significance. Last evaluated: 2025-06-03. Review status: criteria provided, single submitter. Criteria: Ambry Variant Classification Scheme 2023. Collection method: clinical testing. Allele origin: germline.
Comment: The p.R2059G variant (also known as c.6175C>G), located in coding exon 25 of the WNK2 gene, results from a C to G substitution at nucleotide position 6175. The arginine at codon 2059 is replaced by glycine, an amino acid with dissimilar properties. This amino acid position is conserved. In addition, this alteration is predicted to be deleterious by in silico analysis. Based on the available evidence, the clinical significance of this variant remains unclear.